The following is an entry in ClinVar:

ClinVar aggregate classification (germline): Benign/Likely benign. Review status: criteria provided, multiple submitters, no conflicts (2 of 4 stars). 5 submissions from 5 submitters: Benign (1); Likely benign (4). Last evaluated 2025-12-03.

Conditions:
Left ventricular noncompaction 8 (LVNC8). Identifiers: Orphanet 154, Orphanet 54260, MedGen C3809288, MONDO:0014152, OMIM 615373.

Allele frequency attached by ClinVar (database versions not stated): TOPMed 0.00005; gnomAD 0.00007 and 0.00009; gnomAD exomes 0.00013; ExAC 0.00016; 1000 Genomes Project 30x 0.00078; 1000 Genomes Project 0.00080.
gnomAD v4.1: 162 of 1,415,462 alleles (0.011%); highest among the groups gnomAD compares: Middle Eastern, 0.24%; 3 homozygotes.

Submissions (5):

Labcorp Genetics (formerly Invitae), Labcorp
Classification: Likely benign for Left ventricular noncompaction 8. Last evaluated: 2025-12-03. Review status: criteria provided, single submitter. Criteria: Invitae Variant Classification Sherloc (09022015). Collection method: clinical testing. Allele origin: germline.

Blueprint Genetics
Classification: Likely benign. Last evaluated: 2024-11-01. Review status: criteria provided, single submitter. Criteria: ACMG Guidelines, 2015. Collection method: clinical testing. Allele origin: germline.

Women's Health and Genetics/Laboratory Corporation of America, LabCorp
Classification: Benign. Last evaluated: 2024-02-19. Review status: criteria provided, single submitter. Criteria: LabCorp Variant Classification Summary - May 2015. Collection method: clinical testing. Allele origin: germline.

CeGaT Center for Human Genetics Tuebingen
Classification: Likely benign. Last evaluated: 2023-07-01. Review status: criteria provided, single submitter. Criteria: CeGaT Center For Human Genetics Tuebingen Variant Classification Criteria Version 2. Collection method: clinical testing. Allele origin: germline. Affected: yes. Observed: 1 variant allele.
Comment: PRDM16: BP4, BP7

GeneDx
Classification: Likely benign. Last evaluated: 2020-12-03. Review status: criteria provided, single submitter. Criteria: GeneDx Variant Classification Process June 2021. Collection method: clinical testing. Allele origin: germline. Affected: yes.

NM_022114.4(PRDM16):c.2814G>A (p.Thr938=)

Gene: PRDM16 (PR/SET domain 16; plus strand). Cytogenetic location: 1p36.32.
Variant type: single nucleotide variant.
Coding change: c.2814G>A on transcript NM_022114.4 (MANE Select); coding-DNA position 2814, G replaced by A.
Protein change: p.Thr938=; no amino-acid change (threonine 938 retained).
Molecular consequence: synonymous variant.
Genome position (GRCh38, 1-based): chr1:3,417,950, G>A. VCF-style: chr1-3417950-G-A. GRCh37 (hg19) VCF-style: chr1-3334514-G-A.
Other names: c.2814G>A, p.Thr938= (NM_199454.3).
Identifiers: ClinVar variation 506795 (VCV000506795.40), dbSNP rs140540302, ClinGen allele CA544616.